The following is an entry in ClinVar:

ClinVar aggregate classification (germline): Pathogenic (1 of 4 stars; one submission).

Conditions:
Duchenne muscular dystrophy (DMD). Also called: MUSCULAR DYSTROPHY, PSEUDOHYPERTROPHIC PROGRESSIVE, DUCHENNE TYPE; Duchenne Muscular Dystrophy (DMD). Identifiers: Orphanet 98896, MedGen C0013264, MONDO:0010679, OMIM 310200.

Submission:

Labcorp Genetics (formerly Invitae), Labcorp
Classification: Pathogenic for Duchenne muscular dystrophy. Last evaluated: 2023-09-22. Review status: criteria provided, single submitter. Criteria: Invitae Variant Classification Sherloc (09022015). Collection method: clinical testing. Allele origin: unknown.
Comment: This variant results in a copy number gain of the genomic region encompassing exon(s) 2-4 of the DMD gene. While the exact position of this variant cannot be determined from the data, sub-genic copy number gains are generally in tandem (PMID: 25640679). This variant is predicted to be out-of-frame, and may result in an absent or disrupted protein product. Loss-of-function variants in DMD are known to be pathogenic (PMID: 16770791, 25007885). A similar copy number variant has been observed in individuals with Duchenne or Becker muscular dystrophy (PMID: 16439068, 18663755). For these reasons, this variant has been classified as Pathogenic.

Literature cited by the submitters: PubMed 25640679; PubMed 16770791; PubMed 25007885; PubMed 16439068; PubMed 18663755.

NC_000023.10:g.(?_32862880)_(33038337_?)dup

Gene: DMD (dystrophin; minus strand). Cytogenetic location: Xp21.1.
Variant type: Duplication.
Identifiers: ClinVar variation 3242898 (VCV003242898.1).